The following is an entry in ClinVar:

NM_000038.6(APC):c.3014C>T (p.Ala1005Val)

Gene: APC (APC regulator of Wnt signaling pathway; plus strand). Cytogenetic location: 5q22.2.
Variant type: single nucleotide variant.
Coding change: c.3014C>T on transcript NM_000038.6 (MANE Select); coding-DNA position 3014, C replaced by T.
Protein change: p.Ala1005Val; replaces alanine 1005 with valine.
Molecular consequence: missense variant.
Genome position (GRCh38, 1-based): chr5:112,838,608, C>T. VCF-style: chr5-112838608-C-T. GRCh37 (hg19) VCF-style: chr5-112174305-C-T.
Other names: c.3014C>T, p.Ala1005Val (NM_001127510.3, NM_001354895.2); c.2960C>T, p.Ala987Val (NM_001127511.3); c.3068C>T, p.Ala1023Val (NM_001354896.2); c.3044C>T, p.Ala1015Val (NM_001354897.2); c.2939C>T, p.Ala980Val (NM_001354898.2); c.2930C>T, p.Ala977Val (NM_001354899.2); c.2891C>T, p.Ala964Val (NM_001354900.2); c.2837C>T, p.Ala946Val (NM_001354901.2); and 5 more; short protein forms A1005V, A987V, A1015V, A1023V, A722V, A879V, A946V, A964V.
Identifiers: ClinVar variation 233468 (VCV000233468.59), dbSNP rs876660427, ClinGen allele CA10578347.
Genomic context (GRCh38, chr5:112,838,608, plus strand): 5'-CCTATTCTGAAGATGATGAAAGTAAGTTTTGCAGTTATGGTCAATACCCAGCCGACCTAG[C>T]CCATAAAATACATAGTGCAAATCATATGGATGATAATGATGGAGAACTAGATACACCAAT-3'
Protein context (NP_000029.2, residues 995-1015): CSYGQYPADL[Ala1005Val]HKIHSANHMD

ClinVar aggregate classification (germline): Uncertain significance. Review status: criteria provided, multiple submitters, no conflicts (2 of 4 stars). 3 submissions from 3 submitters: Uncertain significance (3). Last evaluated 2025-08-22.

Conditions:
Hereditary cancer-predisposing syndrome. Also called: Neoplastic Syndromes, Hereditary; Tumor predisposition; Hereditary Cancer Syndrome; Hereditary neoplastic syndrome. Identifiers: Orphanet 140162, MedGen C0027672, MeSH D009386, MONDO:0015356.
Familial adenomatous polyposis 1 (FAP1). Also called: FAMILIAL ADENOMATOUS POLYPOSIS 1, ATTENUATED; POLYPOSIS, ADENOMATOUS INTESTINAL. Identifiers: MedGen C2713442, MONDO:0021056, OMIM 175100. Disease mechanism: loss of function.

Allele frequency attached by ClinVar (database versions not stated): gnomAD exomes below 0.00001.
gnomAD v4.1: 1 of 1,614,008 alleles (0.000062%); highest among the groups gnomAD compares: Non-Finnish European, 0.000085%; no homozygotes.

Submissions (3):

Ambry Genetics
Classification: Uncertain significance for Hereditary cancer-predisposing syndrome. Last evaluated: 2025-08-22. Review status: criteria provided, single submitter. Criteria: Ambry Variant Classification Scheme 2023. Collection method: clinical testing. Allele origin: germline.
Comment: The p.A1005V variant (also known as c.3014C>T), located in coding exon 15 of the APC gene, results from a C to T substitution at nucleotide position 3014. The alanine at codon 1005 is replaced by valine, an amino acid with similar properties. This amino acid position is highly conserved in available vertebrate species. In addition, in silico predictors for this gene do not accurately predict pathogenicity. Missense alterations in APC are not a common cause of disease (Spier I et al. Genet Med. 2024 Feb;26(2):100992). Since supporting evidence is limited at this time, the clinical significance of this alteration remains unclear.

Labcorp Genetics (formerly Invitae), Labcorp
Classification: Uncertain significance for Familial adenomatous polyposis 1. Last evaluated: 2024-10-15. Review status: criteria provided, single submitter. Criteria: Invitae Variant Classification Sherloc (09022015). Collection method: clinical testing. Allele origin: germline.
Comment: This sequence change replaces alanine, which is neutral and non-polar, with valine, which is neutral and non-polar, at codon 1005 of the APC protein (p.Ala1005Val). This variant is not present in population databases (gnomAD no frequency). This variant has not been reported in the literature in individuals affected with APC-related conditions. ClinVar contains an entry for this variant (Variation ID: 233468). Invitae Evidence Modeling of protein sequence and biophysical properties (such as structural, functional, and spatial information, amino acid conservation, physicochemical variation, residue mobility, and thermodynamic stability) indicates that this missense variant is not expected to disrupt APC protein function with a negative predictive value of 95%. In summary, the available evidence is currently insufficient to determine the role of this variant in disease. Therefore, it has been classified as a Variant of Uncertain Significance.

Color Diagnostics, LLC DBA Color Health
Classification: Uncertain significance for Hereditary cancer-predisposing syndrome. Last evaluated: 2024-03-06. Review status: criteria provided, single submitter. Criteria: ACMG Guidelines, 2015. Collection method: clinical testing. Allele origin: germline.
Comment: This missense variant replaces alanine with valine at codon 1005 of the APC protein. Computational prediction is inconclusive regarding the impact of this variant on protein structure and function (internally defined REVEL score threshold 0.5 < inconclusive < 0.7, PMID: 27666373). To our knowledge, functional studies have not been reported for this variant. This variant has not been reported in individuals affected with hereditary cancer in the literature. This variant has not been identified in the general population by the Genome Aggregation Database (gnomAD). The available evidence is insufficient to determine the role of this variant in disease conclusively. Therefore, this variant is classified as a Variant of Uncertain Significance.